The following is an entry in ClinVar:

ClinVar aggregate classification (germline): Uncertain significance (1 of 4 stars; one submission).

Submission:

GeneDx
Classification: Uncertain significance. Last evaluated: 2026-03-26. Review status: criteria provided, single submitter. Criteria: GeneDx Variant Classification Process June 2021. Collection method: clinical testing. Allele origin: germline.
Comment: Not observed at significant frequency in large population cohorts (gnomAD); In silico analysis suggests that this missense variant does not alter protein structure/function; Has not been previously published as pathogenic or benign to our knowledge

NM_019045.5(WDR44):c.2440A>G (p.Ser814Gly)

Gene: WDR44 (WD repeat domain 44; plus strand). Cytogenetic location: Xq24.
Variant type: single nucleotide variant.
Coding change: c.2440A>G on transcript NM_019045.5 (MANE Select); coding-DNA position 2440, A replaced by G.
Protein change: p.Ser814Gly; replaces serine 814 with glycine.
Molecular consequence: missense variant.
Genome position (GRCh38, 1-based): chrX:118,443,615, A>G. VCF-style: chrX-118443615-A-G. GRCh37 (hg19) VCF-style: chrX-117577578-A-G.
Other names: c.2416A>G, p.Ser806Gly (NM_001184965.2); c.2173A>G, p.Ser725Gly (NM_001184966.1); short protein forms S725G, S806G, S814G.
Identifiers: ClinVar variation 5017137 (VCV005017137.1).
Genomic context (GRCh38, chrX:118,443,615, plus strand): 5'-TTCAGCCATGATTTTACTTACCTCGTTAGTGGTTCAGAAGATAAGTATGTTTATATCTGG[A>G]GTACCTACCATGACCTAAGCAAGTTTACTTCAGTCAGGAGAGATCGTAATGACTTCTGGG-3'
Protein context (NP_061918.3, residues 804-824): GSEDKYVYIW[Ser814Gly]TYHDLSKFTS